The following is an entry in ClinVar:

ClinVar aggregate classification (germline): Conflicting classifications of pathogenicity. Review status: criteria provided, conflicting classifications (1 of 4 stars). 3 submissions from 3 submitters: Uncertain significance (1); Likely benign (1). 1 of the submissions does not count toward it. Last evaluated 2025-01-19.

Conditions:
LAMB1-related disorder. Also called: LAMB1-related condition.
Inborn genetic diseases. Identifiers: MedGen C0950123, MeSH D030342.

Allele frequency attached by ClinVar (database versions not stated): gnomAD 0.00001.

Submissions (3):

Ambry Genetics
Classification: Likely benign for Inborn genetic diseases. Last evaluated: 2025-01-19. Review status: criteria provided, single submitter. Criteria: Ambry Variant Classification Scheme 2023. Collection method: clinical testing. Allele origin: germline.

Labcorp Genetics (formerly Invitae), Labcorp
Classification: Uncertain significance. Last evaluated: 2023-09-26. Review status: criteria provided, single submitter. Criteria: Invitae Variant Classification Sherloc (09022015). Collection method: clinical testing. Allele origin: germline.
Comment: ClinVar contains an entry for this variant (Variation ID: 1420425). This variant has not been reported in the literature in individuals affected with LAMB1-related conditions. This variant is present in population databases (no rsID available, gnomAD 0.01%). This sequence change replaces alanine, which is neutral and non-polar, with threonine, which is neutral and polar, at codon 550 of the LAMB1 protein (p.Ala550Thr). Algorithms developed to predict the effect of missense changes on protein structure and function output the following: SIFT: "Not Available"; PolyPhen-2: "Benign"; Align-GVGD: "Not Available". The threonine amino acid residue is found in multiple mammalian species, which suggests that this missense change does not adversely affect protein function. In summary, the available evidence is currently insufficient to determine the role of this variant in disease. Therefore, it has been classified as a Variant of Uncertain Significance.

PreventionGenetics, part of Exact Sciences
Classification: Uncertain significance for LAMB1-related condition. Last evaluated: 2023-11-10. Review status: no assertion criteria provided. Collection method: clinical testing. Allele origin: germline. Not counted in ClinVar's aggregate classification.
Comment: The LAMB1 c.1648G>A variant is predicted to result in the amino acid substitution p.Ala550Thr. To our knowledge, this variant has not been reported in the literature. This variant is reported in 0.011% of alleles in individuals of African descent in gnomAD. At this time, the clinical significance of this variant is uncertain due to the absence of conclusive functional and genetic evidence.

NM_002291.3(LAMB1):c.1648G>A (p.Ala550Thr)

Gene: LAMB1 (laminin subunit beta 1; minus strand). Cytogenetic location: 7q31.1.
Variant type: single nucleotide variant.
Coding change: c.1648G>A on transcript NM_002291.3 (MANE Select); coding-DNA position 1648, G replaced by A.
Protein change: p.Ala550Thr; replaces alanine 550 with threonine.
Molecular consequence: missense variant.
Genome position (GRCh38, 1-based): chr7:107,964,602, C>T on the plus strand (G>A on the coding strand, the complement: LAMB1 is on the minus strand). VCF-style: chr7-107964602-C-T. GRCh37 (hg19) VCF-style: chr7-107605047-C-T.
Other names: c.1648G>A (NM_002291.2); short protein forms A550T.
Identifiers: ClinVar variation 1420425 (VCV001420425.9), dbSNP rs573856624, ClinGen allele CA368871975.